The following is an entry in ClinVar:

NM_005419.4(STAT2):c.1852C>T (p.Gln618Ter)

Gene: STAT2 (signal transducer and activator of transcription 2; minus strand). Cytogenetic location: 12q13.3.
Variant type: single nucleotide variant.
Coding change: c.1852C>T on transcript NM_005419.4 (MANE Select); coding-DNA position 1852, C replaced by T.
Protein change: p.Gln618Ter; replaces glutamine 618 with a stop codon.
Molecular consequence: nonsense.
Genome position (GRCh38, 1-based): chr12:56,346,828, G>A on the plus strand (C>T on the coding strand, the complement: STAT2 is on the minus strand). VCF-style: chr12-56346828-G-A. GRCh37 (hg19) VCF-style: chr12-56740612-G-A.
Other names: c.1819C>T, p.Gln607Ter (NM_001385110.1); c.1753C>T, p.Gln585Ter (NM_001385111.1); c.1852C>T, p.Gln618Ter (NM_001385113.1); c.1831C>T, p.Gln611Ter (NM_001385114.1); c.1810C>T, p.Gln604Ter (NM_001385115.1); c.1840C>T, p.Gln614Ter (NM_198332.2); short protein forms Q604*, Q585*, Q614*, Q618*, Q607*, Q611*.
Identifiers: ClinVar variation 1455233 (VCV001455233.6), dbSNP rs1391401672, ClinGen allele CA385259920.

ClinVar aggregate classification (germline): Pathogenic (1 of 4 stars; one submission).

Conditions:
Primary immunodeficiency with post-measles-mumps-rubella vaccine viral infection. Also called: Immunodeficiency 44. Identifiers: Orphanet 431166, MedGen C4225260, MONDO:0014715, OMIM 616636.

Allele frequency attached by ClinVar (database versions not stated): gnomAD exomes below 0.00001; gnomAD 0.00001.
gnomAD v4.1: 3 of 1,614,064 alleles (0.00019%); highest among the groups gnomAD compares: African/African-American, 0.004%; no homozygotes.

Submission:

Labcorp Genetics (formerly Invitae), Labcorp
Classification: Pathogenic for Primary immunodeficiency with post-measles-mumps-rubella vaccine viral infection. Last evaluated: 2021-02-28. Review status: criteria provided, single submitter. Criteria: Invitae Variant Classification Sherloc (09022015). Collection method: clinical testing. Allele origin: germline.
Comment: For these reasons, this variant has been classified as Pathogenic. This variant has not been reported in the literature in individuals with STAT2-related conditions. This variant is not present in population databases (ExAC no frequency). This sequence change creates a premature translational stop signal (p.Gln618*) in the STAT2 gene. It is expected to result in an absent or disrupted protein product. Loss-of-function variants in STAT2 are known to be pathogenic (PMID: 23391734, 26122121).

Literature cited by the submitters: PubMed 23391734; PubMed 26122121.